The following is an entry in ClinVar:

ClinVar aggregate classification (germline): Benign (0 of 4 stars; one submission).

Conditions:
KDM2B-related disorder. Also called: KDM2B-related condition.

Allele frequency attached by ClinVar (database versions not stated): 1000 Genomes Project 0.00080; 1000 Genomes Project 30x 0.00094.
gnomAD v4.1: 301 of 1,548,560 alleles (0.019%); highest among the groups gnomAD compares: East Asian, 0.5%; 4 homozygotes.

Submissions (2):

PreventionGenetics, part of Exact Sciences
Classification: Benign for KDM2B-related condition. Last evaluated: 2019-07-30. Review status: no assertion criteria provided. Collection method: clinical testing. Allele origin: germline.
Comment: This variant is classified as benign based on ACMG/AMP sequence variant interpretation guidelines (Richards et al. 2015 PMID: 25741868, with internal and published modifications).

Dr. Peter K. Rogan Lab, Western University
No classification provided (evidence only). Condition: Cervical cancer. Review status: no classification provided. Collection method: in vitro. Allele origin: not applicable. Functional consequence: skipped exon. Not counted in ClinVar's aggregate classification.

NM_032590.5(KDM2B):c.2452-7C>G

Gene: KDM2B (lysine demethylase 2B; minus strand). Cytogenetic location: 12q24.31.
Variant type: single nucleotide variant.
Coding change: c.2452-7C>G on transcript NM_032590.5 (MANE Select); 7 bases into the intron before coding-DNA position 2452, C replaced by G.
Molecular consequence: intron variant.
Genome position (GRCh38, 1-based): chr12:121,443,800, G>C on the plus strand (C>G on the coding strand, the complement: KDM2B is on the minus strand). VCF-style: chr12-121443800-G-C. GRCh37 (hg19) VCF-style: chr12-121881603-G-C.
Other names: NC_000012.11:g.121881603G>C; c.2358+212C>G (NM_001005366.2).
Identifiers: ClinVar variation 3035115 (VCV003035115.3), dbSNP rs201930981, ClinGen allele CA6836536.